The following is an entry in ClinVar:

NM_000532.5(PCCB):c.1495C>T (p.Arg499Ter)

Gene: PCCB (propionyl-CoA carboxylase subunit beta; plus strand). Cytogenetic location: 3q22.3.
Variant type: single nucleotide variant.
Coding change: c.1495C>T on transcript NM_000532.5 (MANE Select); coding-DNA position 1495, C replaced by T.
Protein change: p.Arg499Ter; replaces arginine 499 with a stop codon.
Molecular consequence: nonsense.
Genome position (GRCh38, 1-based): chr3:136,328,854, C>T. VCF-style: chr3-136328854-C-T. GRCh37 (hg19) VCF-style: chr3-136047696-C-T.
Other names: c.1555C>T, p.Arg519Ter (NM_001178014.2); short protein forms R499*, R519*.
Identifiers: ClinVar variation 38878 (VCV000038878.60), dbSNP rs202247820, ClinGen allele CA343138.

ClinVar aggregate classification (germline): Pathogenic. Review status: criteria provided, multiple submitters, no conflicts (2 of 4 stars). 9 submissions from 9 submitters: Pathogenic (7). 2 of the submissions do not count toward it. Last evaluated 2026-01-18.

Conditions:
PCCB-related disorder. Also called: PCCB-related condition.
Propionic acidemia (PROP). Also called: KETOTIC HYPERGLYCINEMIA; GLYCINEMIA, KETOTIC; HYPERGLYCINEMIA WITH KETOACIDOSIS AND LEUKOPENIA. Identifiers: Orphanet 35, MedGen C0268579, MONDO:0011628, OMIM 606054, HP:0003571.

Allele frequency attached by ClinVar (database versions not stated): gnomAD exomes below 0.00001 and 0.00002; gnomAD 0.00001; TOPMed 0.00001.
gnomAD v4.1: 24 of 1,609,876 alleles (0.0015%); highest among the groups gnomAD compares: Non-Finnish European, 0.0019%; no homozygotes.

Submissions (9):

Labcorp Genetics (formerly Invitae), Labcorp
Classification: Pathogenic for Propionic acidemia. Last evaluated: 2026-01-18. Review status: criteria provided, single submitter. Criteria: Invitae Variant Classification Sherloc (09022015). Collection method: clinical testing. Allele origin: germline.
Comment: This sequence change creates a premature translational stop signal (p.Arg499*) in the PCCB gene. While this is not anticipated to result in nonsense mediated decay, it is expected to disrupt the last 41 amino acid(s) of the PCCB protein. This variant is present in population databases (rs202247820, gnomAD 0.0009%). This premature translational stop signal has been observed in individuals with propionic acidemia (PMID: 8295402, 12007220, 12189489). ClinVar contains an entry for this variant (Variation ID: 38878). Algorithms developed to predict the effect of variants on gene product structure and function are not available or were not evaluated for this variant. Experimental studies have shown that this premature translational stop signal affects PCCB function (PMID: 11136555). For these reasons, this variant has been classified as Pathogenic.

Natera, Inc.
Classification: Pathogenic for Propionic acidemia. Last evaluated: 2025-03-22. Review status: criteria provided, single submitter. Criteria: Natera Variant Classification Schema (03/2026). Collection method: clinical testing. Allele origin: germline.
Comment: The c.1495C>T variant in PCCB is a nonsense variant predicted to introduce a stop codon at amino acid 499. This variant is expected to result in nonsense mediated decay, truncation, or a dysfunctional protein product. This variant is rare in the general population with a frequency below the threshold expected for the associated phenotype(s). This variant has been observed in one or more individuals affected with the associated recessive disease, as either homozygous or compound heterozygous with a second variant (PMID: 8295402). Given the available evidence, this variant is classified as Pathogenic.

Fulgent Genetics
Classification: Pathogenic for Propionic acidemia. Last evaluated: 2024-05-08. Review status: criteria provided, single submitter. Criteria: ACMG Guidelines, 2015. Collection method: clinical testing. Allele origin: germline.

Baylor Genetics
Classification: Pathogenic for Propionic acidemia. Last evaluated: 2024-03-28. Review status: criteria provided, single submitter. Criteria: ACMG Guidelines, 2015. Collection method: clinical testing. Allele origin: unknown.

Blueprint Genetics
Classification: Pathogenic for PCCB-related disorders. Last evaluated: 2023-06-29. Review status: criteria provided, single submitter. Criteria: ACMG Guidelines, 2015. Collection method: clinical testing. Allele origin: germline. Affected: yes. Observed: 1 variant allele.

Women's Health and Genetics/Laboratory Corporation of America, LabCorp
Classification: Pathogenic for Propionic acidemia. Last evaluated: 2017-05-23. Review status: criteria provided, single submitter. Criteria: LabCorp Variant Classification Summary - May 2015. Collection method: clinical testing. Allele origin: germline.
Comment: Variant summary: The PCCB c.1495C>T (p.Arg499X) variant results in a premature termination codon, predicted to cause a truncated or absent PCCB protein due to nonsense mediated decay, which are commonly known mechanisms for disease. A functional study, Chloupkova_2000 indicates that the variant impedes protein function and stability. This variant is absent in 121316 control chromosomes (ExAC). Multiple publications have cited the variant in affected compound heterozygous individuals, predominantly of Japan origin. In addition, multiple databases classified this variant as pathogenic. Taken together, this variant is classified as pathogenic.

CeGaT Center for Human Genetics Tuebingen
Classification: Pathogenic. Last evaluated: 2017-05-01. Review status: criteria provided, single submitter. Criteria: CeGaT Center For Human Genetics Tuebingen Variant Classification Criteria Version 2. Collection method: clinical testing. Allele origin: germline. Affected: yes. Observed: 1 variant allele.

Counsyl
Classification: Pathogenic for Propionic acidemia. Last evaluated: 2017-09-26. Review status: no assertion criteria provided. Collection method: clinical testing. Allele origin: unknown. Not counted in ClinVar's aggregate classification.

GeneReviews
No classification provided. Condition: Propionic acidemia. Review status: no classification provided. Collection method: literature only. Allele origin: unknown. Not counted in ClinVar's aggregate classification.

Literature cited by the submitters: PubMed 8295402 (cited by 4 submitters); PubMed 12007220 (cited by Labcorp Genetics (formerly Invitae), Labcorp); PubMed 12189489 (cited by Labcorp Genetics (formerly Invitae), Labcorp and Counsyl); PubMed 11136555 (cited by 3 submitters); PubMed 27776753 (cited by Women's Health and Genetics/Laboratory Corporation of America, LabCorp); PubMed 22593918 (cited by GeneReviews); NCBI Bookshelf NBK92946 (cited by GeneReviews).